The following is an entry in ClinVar:

ClinVar aggregate classification (germline): Likely pathogenic (1 of 4 stars; one submission).

Conditions:
Glycogen storage disease IXa1. Also called: GLYCOGEN STORAGE DISEASE VIII; GSD VIII; Glycogen storage disease 8; LIVER GLYCOGENOSIS, X-LINKED, TYPE I. Identifiers: Orphanet 264580, MedGen C3694531, MONDO:0010598, OMIM 306000.

Submission:

Labcorp Genetics (formerly Invitae), Labcorp
Classification: Likely pathogenic for Glycogen storage disease IXa1. Last evaluated: 2019-03-05. Review status: criteria provided, single submitter. Criteria: Invitae Variant Classification Sherloc (09022015). Collection method: clinical testing. Allele origin: germline.
Comment: This sequence change affects a donor splice site in intron 31 of the PHKA2 gene. It is expected to disrupt RNA splicing and likely results in an absent or disrupted protein product. This variant is not present in population databases (ExAC no frequency). In summary, the currently available evidence indicates that the variant is pathogenic, but additional data are needed to prove that conclusively. Therefore, this variant has been classified as Likely Pathogenic. Donor and acceptor splice site variants typically lead to a loss of protein function (PMID: 16199547), and loss-of-function variants in PHKA2 are known to be pathogenic (PMID: 7711737, 10330341). Algorithms developed to predict the effect of sequence changes on RNA splicing suggest that this variant may disrupt the consensus splice site, but this prediction has not been confirmed by published transcriptional studies. This variant has not been reported in the literature in individuals with PHKA2-related conditions.

Literature cited by the submitters: PubMed 16199547; PubMed 7711737; PubMed 10330341.

NM_000292.3(PHKA2):c.3336+1dup

Gene: PHKA2 (phosphorylase kinase regulatory subunit alpha 2; minus strand). Cytogenetic location: Xp22.13.
Variant type: Duplication.
Coding change: c.3336+1dup on transcript NM_000292.3 (MANE Select); the canonical splice donor site of the intron after coding-DNA position 3336, one base duplicated (G; older notation c.3336+1dupG).
Molecular consequence: splice donor variant.
Genome position (GRCh38, 1-based): chrX:18,895,137, C duplicated on the plus strand (G on the coding strand, the reverse complement: PHKA2 is on the minus strand); the first of 2 consecutive C bases (chrX:18,895,137-18,895,138); duplicating either gives the same sequence. VCF-style (leftmost placement, unchanged base first): chrX-18895136-A-AC. GRCh37 (hg19) VCF-style: chrX-18913254-A-AC.
Identifiers: ClinVar variation 839048 (VCV000839048.8), dbSNP rs2047514376, ClinGen allele CA916083840.